The following is an entry in ClinVar:

ClinVar aggregate classification (germline): Uncertain significance. Review status: criteria provided, multiple submitters, no conflicts (2 of 4 stars). 2 submissions from 2 submitters: Uncertain significance (2). Last evaluated 2025-12-03.

Conditions:
Osteogenesis imperfecta type I (OI1). Also called: OI, TYPE I; OSTEOGENESIS IMPERFECTA TARDA; OSTEOGENESIS IMPERFECTA WITH BLUE SCLERAE; Lobstein's Disease; Classic Non-deforming Osteogenesis Imperfecta with Blue Sclerae; Lobstein disease. Identifiers: Orphanet 216796, Orphanet 666, MedGen C0023931, MONDO:0008146, OMIM 166200. Disease mechanism: loss of function.

gnomAD v4.1: 4 of 1,613,456 alleles (0.00025%); highest among the groups gnomAD compares: Non-Finnish European, 0.00034%; no homozygotes.

Submissions (2):

Labcorp Genetics (formerly Invitae), Labcorp
Classification: Uncertain significance for Osteogenesis imperfecta type I. Last evaluated: 2025-12-03. Review status: criteria provided, single submitter. Criteria: Invitae Variant Classification Sherloc (09022015). Collection method: clinical testing. Allele origin: germline.
Comment: This sequence change replaces arginine, which is basic and polar, with serine, which is neutral and polar, at codon 244 of the COL1A1 protein (p.Arg244Ser). This variant is not present in population databases (gnomAD no frequency). This variant has not been reported in the literature in individuals affected with COL1A1-related conditions. ClinVar contains an entry for this variant (Variation ID: 1804449). Invitae Evidence Modeling of protein sequence and biophysical properties (such as structural, functional, and spatial information, amino acid conservation, physicochemical variation, residue mobility, and thermodynamic stability) has been performed for this missense variant. However, the output from this modeling did not meet the statistical confidence thresholds required to predict the impact of this variant on COL1A1 protein function. In summary, the available evidence is currently insufficient to determine the role of this variant in disease. Therefore, it has been classified as a Variant of Uncertain Significance.

GeneDx
Classification: Uncertain significance. Last evaluated: 2022-06-13. Review status: criteria provided, single submitter. Criteria: GeneDx Variant Classification Process June 2021. Collection method: clinical testing. Allele origin: germline. Affected: yes.
Comment: Not observed at significant frequency in large population cohorts (gnomAD); In silico analysis supports that this missense variant has a deleterious effect on protein structure/function; Has not been previously published as pathogenic or benign to our knowledge; Occurs in the triple helical domain at the Y position in the canonical Gly-X-Y repeat; although this variant may have an effect on normal protein folding and function, missense substitution at the Y position is not a common mechanism of disease (HGMD)

NM_000088.4(COL1A1):c.730C>A (p.Arg244Ser)

Genes: COL1A1 (collagen type I alpha 1 chain; minus strand), LOC126862586 (CDK7 strongly-dependent group 2 enhancer GRCh37_chr17:48273702-48274901; plus strand). Cytogenetic location: 17q21.33.
Variant type: single nucleotide variant.
Coding change: c.730C>A on transcript NM_000088.4 (MANE Select); coding-DNA position 730, C replaced by A.
Protein change: p.Arg244Ser; replaces arginine 244 with serine.
Molecular consequence: missense variant.
Genome position (GRCh38, 1-based): chr17:50,197,200, G>T on the plus strand (C>A on the coding strand, the complement: COL1A1 is on the minus strand). VCF-style: chr17-50197200-G-T. GRCh37 (hg19) VCF-style: chr17-48274561-G-T.
Other names: short protein forms R244S.
Identifiers: ClinVar variation 1804449 (VCV001804449.2), dbSNP rs1435869455, ClinGen allele CA400224196.
Genomic context (GRCh38, chr17:50,197,200, plus strand): 5'-GTGCAGTGAAGCCCAGGTTCAGCCACAGCCCCCTGCTCACCTGAGGCCCAGGAGGCCCAC[G>T]CTCACCAGGACGACCAGGTTTTCCAGCTTCCCCCTGAGAGGGAGAGAAAAGACCATCATG-3'
Protein context (NP_000079.2, residues 234-254): EAGKPGRPGE[Arg244Ser]GPPGPQGARG